The following is an entry in ClinVar:

NM_002528.7(NTHL1):c.1A>C (p.Met1Leu)

Gene: NTHL1 (nth like DNA glycosylase 1; minus strand). Cytogenetic location: 16p13.3.
Variant type: single nucleotide variant.
Coding change: c.1A>C on transcript NM_002528.7 (MANE Select); coding-DNA position 1, A replaced by C.
Protein change: p.Met1Leu; changes the start codon (methionine 1).
Molecular consequence: missense variant, initiator codon variant. On other transcripts: 5 prime UTR variant (1).
Genome position (GRCh38, 1-based): chr16:2,047,823, T>G on the plus strand (A>C on the coding strand, the complement: NTHL1 is on the minus strand). VCF-style: chr16-2047823-T-G. GRCh37 (hg19) VCF-style: chr16-2097824-T-G.
Other names: c.1A>C, p.Met1Leu (NM_001318193.2); c.-178A>C (NM_001318194.2); short protein forms M1L.
Identifiers: ClinVar variation 1793633 (VCV001793633.3), dbSNP rs1277993259, ClinGen allele CA394298746.
Genomic context (GRCh38, chr16:2,047,823, plus strand): 5'-GCCCAGCCCCGGGTCCCAGGCTCCGGCTCCGGGTCAGCATCCTCGCGCTCAAGGCGGTCA[T>G]GCCGGACTCCTGCGGACTACACATCCCGGCGGCCCATGCGGCCCCGTCACGTGATGCAAG-3'
Protein context (NP_002519.2, residues 1-11): [Met1Leu]TALSARMLTR

ClinVar aggregate classification (germline): Uncertain significance (1 of 4 stars; one submission).

Conditions:
Hereditary cancer-predisposing syndrome. Also called: Tumor predisposition; Hereditary Cancer Syndrome; Neoplastic Syndromes, Hereditary; Hereditary neoplastic syndrome. Identifiers: Orphanet 140162, MedGen C0027672, MeSH D009386, MONDO:0015356.

Submission:

Ambry Genetics
Classification: Uncertain significance for Hereditary cancer-predisposing syndrome. Last evaluated: 2020-09-09. Review status: criteria provided, single submitter. Criteria: Ambry Variant Classification Scheme 2023. Collection method: clinical testing. Allele origin: germline.
Comment: The p.M9L variant (also known as c.25A>C), located in coding exon 1 of the NTHL1 gene, results from an A to C substitution at nucleotide position 25. The methionine at codon 9 is replaced by leucine, an amino acid with highly similar properties. This amino acid position is not well conserved in available vertebrate species. In addition, this alteration is predicted to be tolerated by in silico analysis. Since supporting evidence is limited at this time, the clinical significance of this alteration remains unclear.